The following is an entry in ClinVar:

ClinVar aggregate classification (germline): Conflicting classifications of pathogenicity. Review status: criteria provided, conflicting classifications (1 of 4 stars). 6 submissions from 6 submitters: Uncertain significance (1); Likely benign (3). 2 of the submissions do not count toward it. Last evaluated 2026-02-02.

Conditions:
Inborn genetic diseases. Identifiers: MedGen C0950123, MeSH D030342.
Glycine encephalopathy. Also called: Non-ketotic hyperglycinemia; Nonketotic hyperglycinemia. Identifiers: Orphanet 407, MedGen C0751748, MONDO:0011612, HP:0008288.
GLDC-related disorder. Also called: GLDC-related condition.

Allele frequency attached by ClinVar (database versions not stated): gnomAD exomes 0.00016 and 0.00022; 1000 Genomes Project 0.00180; gnomAD 0.00197; 1000 Genomes Project 30x 0.00219; TOPMed 0.00219; ExAC 0.00357.
gnomAD v4.1: 494 of 1,247,936 alleles (0.04%); highest among the groups gnomAD compares: African/African-American, 0.7%; 2 homozygotes.

Submissions (6):

Labcorp Genetics (formerly Invitae), Labcorp
Classification: Likely benign for Glycine encephalopathy. Last evaluated: 2026-02-02. Review status: criteria provided, single submitter. Criteria: Invitae Variant Classification Sherloc (09022015). Collection method: clinical testing. Allele origin: germline.

Blueprint Genetics
Classification: Likely benign. Last evaluated: 2024-10-18. Review status: criteria provided, single submitter. Criteria: ACMG Guidelines, 2015. Collection method: clinical testing. Allele origin: germline.

Ambry Genetics
Classification: Uncertain significance for Inborn genetic diseases. Last evaluated: 2024-05-28. Review status: criteria provided, single submitter. Criteria: Ambry Variant Classification Scheme 2023. Collection method: clinical testing. Allele origin: germline.

GeneDx
Classification: Likely benign. Last evaluated: 2021-04-20. Review status: criteria provided, single submitter. Criteria: GeneDx Variant Classification Process June 2021. Collection method: clinical testing. Allele origin: germline. Affected: yes.

PreventionGenetics, part of Exact Sciences
Classification: Likely benign for GLDC-related condition. Last evaluated: 2024-04-02. Review status: no assertion criteria provided. Collection method: clinical testing. Allele origin: germline. Not counted in ClinVar's aggregate classification.
Comment: This variant is classified as likely benign based on ACMG/AMP sequence variant interpretation guidelines (Richards et al. 2015 PMID: 25741868, with internal and published modifications).

Natera, Inc.
Classification: Likely benign for Non-ketotic hyperglycinemia. Last evaluated: 2020-09-16. Review status: no assertion criteria provided. Collection method: clinical testing. Allele origin: germline. Not counted in ClinVar's aggregate classification.

NM_000170.3(GLDC):c.40C>A (p.Arg14Ser)

Gene: GLDC (glycine decarboxylase; minus strand). Cytogenetic location: 9p24.1.
Variant type: single nucleotide variant.
Coding change: c.40C>A on transcript NM_000170.3 (MANE Select); coding-DNA position 40, C replaced by A.
Protein change: p.Arg14Ser; replaces arginine 14 with serine.
Molecular consequence: missense variant.
Genome position (GRCh38, 1-based): chr9:6,645,460, G>T on the plus strand (C>A on the coding strand, the complement: GLDC is on the minus strand). VCF-style: chr9-6645460-G-T. GRCh37 (hg19) VCF-style: chr9-6645460-G-T.
Other names: short protein forms R14S.
Identifiers: ClinVar variation 462885 (VCV000462885.19), dbSNP rs182760732, ClinGen allele CA4981298.